The following is an entry in ClinVar:

ClinVar aggregate classification (germline): Conflicting classifications of pathogenicity. Review status: criteria provided, conflicting classifications (1 of 4 stars). 2 submissions from 2 submitters: Uncertain significance (1); Likely benign (1). Last evaluated 2022-01-04.

Conditions:
Hereditary cancer-predisposing syndrome. Also called: Neoplastic Syndromes, Hereditary; Tumor predisposition; Hereditary neoplastic syndrome; Hereditary Cancer Syndrome. Identifiers: Orphanet 140162, MedGen C0027672, MeSH D009386, MONDO:0015356.

Allele frequency attached by ClinVar (database versions not stated): TOPMed below 0.00001.
gnomAD v4.1: 6 of 1,585,408 alleles (0.00038%); highest among the groups gnomAD compares: Non-Finnish European, 0.00051%; no homozygotes.

Submissions (2):

Sema4
Classification: Uncertain significance for Hereditary cancer-predisposing syndrome. Last evaluated: 2022-01-04. Review status: criteria provided, single submitter. Criteria: Sema4 Curation Guidelines. Collection method: curation. Allele origin: germline.
Comment: The TSC1 c.-80-10T>C variant has not been reported in the literature to our knowledge. It was not observed in the large and broad cohorts of the Genome Aggregation Database. The variant has been reported in ClinVar (Variation ID 365521). In silico tools suggest the impact of the variant on protein function is benign, though these predictions have not been confirmed by functional studies. The evidence is insufficient to meet ACMG/AMP criteria for classifying the variant as benign or pathogenic. Thus, the clinical significance of this variant is currently uncertain.

ARUP Laboratories, Molecular Genetics and Genomics, ARUP Laboratories
Classification: Likely benign. Last evaluated: 2018-07-22. Review status: criteria provided, single submitter. Criteria: ARUP Molecular Germline Variant Investigation Process. Collection method: clinical testing. Allele origin: germline.

NM_000368.5(TSC1):c.-80-10T>C

Gene: TSC1 (TSC complex subunit 1; minus strand). Cytogenetic location: 9q34.13.
Variant type: single nucleotide variant.
Coding change: c.-80-10T>C on transcript NM_000368.5 (MANE Select); 10 bases into the intron before 80 bases upstream of the start codon, T replaced by C.
Molecular consequence: intron variant.
Genome position (GRCh38, 1-based): chr9:132,928,962, A>G on the plus strand (T>C on the coding strand, the complement: TSC1 is on the minus strand). VCF-style: chr9-132928962-A-G. GRCh37 (hg19) VCF-style: chr9-135804349-A-G.
Other names: c.-339-10T>C (NM_001362177.2); c.-80-10T>C (NM_001162427.2, NM_001162426.2).
Identifiers: ClinVar variation 365521 (VCV000365521.12), dbSNP rs886063625, ClinGen allele CA10633036.